The following is an entry in ClinVar:

NM_005763.4(AASS):c.2076dup (p.Pro693fs)

Gene: AASS (aminoadipate-semialdehyde synthase; minus strand). Cytogenetic location: 7q31.32.
Variant type: Duplication.
Coding change: c.2076dup on transcript NM_005763.4 (MANE Select); coding-DNA position 2076, one base duplicated (T; older notation c.2076dupT).
Protein change: p.Pro693fs; shifts the reading frame from proline 693.
Molecular consequence: frameshift variant.
Genome position (GRCh38, 1-based): chr7:122,086,120, A duplicated on the plus strand (T on the coding strand, the reverse complement: AASS is on the minus strand); the first of 7 consecutive A bases (chr7:122,086,120-122,086,126); duplicating any one gives the same sequence. VCF-style (leftmost placement, unchanged base first): chr7-122086119-G-GA. GRCh37 (hg19) VCF-style: chr7-121726173-G-GA.
Other names: c.2076dupT (NM_005763.4); short protein forms P693fs.
Identifiers: ClinVar variation 3899464 (VCV003899464.2), dbSNP rs768943469.

ClinVar aggregate classification (germline): Pathogenic/Likely pathogenic. Review status: criteria provided, multiple submitters, no conflicts (2 of 4 stars). 2 submissions from 2 submitters: Pathogenic (1); Likely pathogenic (1). Last evaluated 2026-04-21.

Conditions:
Hyperlysinemia. Also called: Hyperlysinemias. Identifiers: Orphanet 2203, MedGen C0268553, MONDO:0009388, HP:0002161.

Submissions (2):

Women's Health and Genetics/Laboratory Corporation of America, LabCorp
Classification: Pathogenic for Hyperlysinemia. Last evaluated: 2026-04-21. Review status: criteria provided, single submitter. Criteria: LabCorp Variant Classification Summary - May 2015. Collection method: clinical testing. Allele origin: germline.
Comment: Variant summary: AASS c.2076dupT (p.Pro693SerfsX10) results in a premature termination codon, predicted to cause a truncation of the encoded protein or absence of the protein due to nonsense mediated decay, which are commonly known mechanisms for disease. The variant allele was found at a frequency of 4e-06 in 250802 control chromosomes. c.2076dupT has been observed in the presumed compound heterozygous state in at least 1 individual(s) affected with Hyperlysinemia (example, Houten_2013). These report(s) do not provide unequivocal conclusions about association of the variant with Hyperlysinemia. The following publication has been ascertained in the context of this evaluation (PMID: 23570448). ClinVar contains an entry for this variant (Variation ID: 3899464). Based on the evidence outlined above, the variant was classified as pathogenic.

GeneDx
Classification: Likely pathogenic. Last evaluated: 2024-11-18. Review status: criteria provided, single submitter. Criteria: GeneDx Variant Classification Process June 2021. Collection method: clinical testing. Allele origin: germline. Affected: yes.
Comment: Observed with a second AASS variant likely on the opposite allele (in trans) in a patient with hyperlysinemia in published literature (PMID: 23570448); Frameshift variant predicted to result in protein truncation or nonsense mediated decay in a gene for which loss of function is a known mechanism of disease; Not observed at significant frequency in large population cohorts (gnomAD); This variant is associated with the following publications: (PMID: 23570448)

Literature cited by the submitters: PubMed 23570448 (cited by Women's Health and Genetics/Laboratory Corporation of America, LabCorp).